The following is an entry in ClinVar:

ClinVar aggregate classification (germline): Conflicting classifications of pathogenicity. Review status: criteria provided, conflicting classifications (1 of 4 stars). 2 submissions from 2 submitters: Uncertain significance (1); Likely benign (1). Last evaluated 2025-07-28.

Conditions:
Inborn genetic diseases. Identifiers: MedGen C0950123, MeSH D030342.

Allele frequency attached by ClinVar (database versions not stated): gnomAD exomes 0.00001; gnomAD 0.00002; ExAC 0.00004; TOPMed 0.00004.
gnomAD v4.1: 22 of 1,614,074 alleles (0.0014%); highest among the groups gnomAD compares: East Asian, 0.0045%; no homozygotes.

Submissions (2):

Labcorp Genetics (formerly Invitae), Labcorp
Classification: Uncertain significance. Last evaluated: 2025-07-28. Review status: criteria provided, single submitter. Criteria: Invitae Variant Classification Sherloc (09022015). Collection method: clinical testing. Allele origin: germline.
Comment: This sequence change replaces arginine, which is basic and polar, with histidine, which is basic and polar, at codon 1158 of the ARID1B protein (p.Arg1158His). This variant is present in population databases (rs762153671, gnomAD 0.005%). This missense change has been observed in individual(s) with clinical features of ARID1B-related conditions (PMID: 37500730). This variant is also known as p.R1145H. ClinVar contains an entry for this variant (Variation ID: 1731758). Invitae Evidence Modeling of protein sequence and biophysical properties (such as structural, functional, and spatial information, amino acid conservation, physicochemical variation, residue mobility, and thermodynamic stability) indicates that this missense variant is not expected to disrupt ARID1B protein function with a negative predictive value of 80%. In summary, the available evidence is currently insufficient to determine the role of this variant in disease. Therefore, it has been classified as a Variant of Uncertain Significance.

Ambry Genetics
Classification: Likely benign for Inborn genetic diseases. Last evaluated: 2018-11-28. Review status: criteria provided, single submitter. Criteria: Ambry Variant Classification Scheme 2023. Collection method: clinical testing. Allele origin: germline.

Literature cited by the submitters: PubMed 37500730 (cited by Labcorp Genetics (formerly Invitae), Labcorp).

NM_001374828.1(ARID1B):c.3842G>A (p.Arg1281His)

Gene: ARID1B (AT-rich interaction domain 1B; plus strand). Cytogenetic location: 6q25.3.
Variant type: single nucleotide variant.
Coding change: c.3842G>A on transcript NM_001374828.1 (MANE Select); coding-DNA position 3842, G replaced by A.
Protein change: p.Arg1281His; replaces arginine 1281 with histidine.
Molecular consequence: missense variant.
Genome position (GRCh38, 1-based): chr6:157,184,358, G>A. VCF-style: chr6-157184358-G-A. GRCh37 (hg19) VCF-style: chr6-157505492-G-A.
Other names: c.3593G>A, p.Arg1198His (NM_001346813.1); c.1343G>A, p.Arg448His (NM_001363725.2); c.3722G>A, p.Arg1241His (NM_001371656.1, NM_001374820.1); c.3683G>A, p.Arg1228His (NM_017519.3); c.3473G>A, p.Arg1158His (NM_020732.3); c.3260G>A, p.Arg1087His (NM_175863.2); short protein forms R1228H, R1281H, R448H, R1158H, R1198H, R1087H, R1241H.
Identifiers: ClinVar variation 1731758 (VCV001731758.7), dbSNP rs762153671, ClinGen allele CA4067411.